The following is an entry in ClinVar:

ClinVar aggregate classification (germline): Uncertain significance (1 of 4 stars; one submission).

Submission:

Labcorp Genetics (formerly Invitae), Labcorp
Classification: Uncertain significance. Last evaluated: 2024-11-27. Review status: criteria provided, single submitter. Criteria: Invitae Variant Classification Sherloc (09022015). Collection method: clinical testing. Allele origin: germline.
Comment: This sequence change replaces glycine, which is neutral and non-polar, with serine, which is neutral and polar, at codon 969 of the PLXNA2 protein (p.Gly969Ser). This variant is not present in population databases (gnomAD no frequency). This variant has not been reported in the literature in individuals affected with PLXNA2-related conditions. Invitae Evidence Modeling of protein sequence and biophysical properties (such as structural, functional, and spatial information, amino acid conservation, physicochemical variation, residue mobility, and thermodynamic stability) indicates that this missense variant is expected to disrupt PLXNA2 protein function with a positive predictive value of 80%. In summary, the available evidence is currently insufficient to determine the role of this variant in disease. Therefore, it has been classified as a Variant of Uncertain Significance.

NM_025179.4(PLXNA2):c.2905G>A (p.Gly969Ser)

Gene: PLXNA2 (plexin A2; minus strand). Cytogenetic location: 1q32.2.
Variant type: single nucleotide variant.
Coding change: c.2905G>A on transcript NM_025179.4 (MANE Select); coding-DNA position 2905, G replaced by A.
Protein change: p.Gly969Ser; replaces glycine 969 with serine.
Molecular consequence: missense variant.
Genome position (GRCh38, 1-based): chr1:208,052,415, C>T on the plus strand (G>A on the coding strand, the complement: PLXNA2 is on the minus strand). VCF-style: chr1-208052415-C-T. GRCh37 (hg19) VCF-style: chr1-208225760-C-T.
Other names: short protein forms G969S.
Identifiers: ClinVar variation 3666860 (VCV003666860.2).
Genomic context (GRCh38, chr1:208,052,415, plus strand): 5'-GGTAGACTGCCACGCTGCTCCCAGCCCCAAGGTAATGGCCGGTAATGGTCACCATAGTGC[C>T]TCCTGACTCGGGACCTCGGATTGGGTTGAGTGACAGCACAGAAGGGTTCTTTGGAAAGAA-3'
Protein context (NP_079455.3, residues 959-979): LNPIRGPESG[Gly969Ser]TMVTITGHYL